The following is an entry in ClinVar:

NM_007294.4(BRCA1):c.3465T>C (p.Asp1155=)

Genes: BRCA1 (BRCA1 DNA repair associated; minus strand), LOC126862571 (BRD4-independent group 4 enhancer GRCh37_chr17:41243136-41244335; plus strand). Cytogenetic location: 17q21.31.
Variant type: single nucleotide variant.
Coding change: c.3465T>C on transcript NM_007294.4 (MANE Select); coding-DNA position 3465, T replaced by C.
Protein change: p.Asp1155=; no amino-acid change (aspartic acid 1155 retained).
Molecular consequence: synonymous variant. On other transcripts: intron variant (135).
Genome position (GRCh38, 1-based): chr17:43,092,066, A>G on the plus strand (T>C on the coding strand, the complement: BRCA1 is on the minus strand). VCF-style: chr17-43092066-A-G. GRCh37 (hg19) VCF-style: chr17-41244083-A-G.
Other names: c.3387T>C, p.Asp1129= (NM_001407663.1, NM_001407653.1, NM_001407654.1 and 4 more transcripts); c.3342T>C, p.Asp1114= (NM_001407664.1, NM_001407665.1, NM_001407666.1 and 19 more transcripts); c.3339T>C, p.Asp1113= (NM_001407670.1, NM_001407671.1, NM_001407672.1 and 11 more transcripts); c.3465T>C, p.Asp1155= (NM_001407684.1, NM_001407854.1, NM_001407858.1 and 30 more transcripts); c.3324T>C, p.Asp1108= (NM_001407692.1, NM_001407694.1, NM_001407695.1 and 29 more transcripts); c.3321T>C, p.Asp1107= (NM_001407740.1, NM_001407741.1, NM_001407742.1 and 20 more transcripts); c.3252T>C, p.Asp1084= (NM_001407853.1, NM_001407894.1, NM_001407895.1 and 9 more transcripts); c.3462T>C, p.Asp1154= (NM_001407860.1, NM_001407861.1, NM_001407587.1 and 22 more transcripts); and 41 more.
Identifiers: ClinVar variation 632680 (VCV000632680.14), dbSNP rs1567791539, ClinGen allele CA500232481.

ClinVar aggregate classification (germline): Likely benign. Review status: criteria provided, multiple submitters, no conflicts (2 of 4 stars). 2 submissions from 2 submitters: Likely benign (2). Last evaluated 2019-08-21.

Conditions:
Hereditary breast ovarian cancer syndrome. Also called: Hereditary breast and ovarian cancer; Hereditary breast and ovarian cancer syndrome (HBOC); Breast and ovarian cancer; Hereditary breast and ovarian cancer syndrome; BRCA1- and BRCA2-Associated Hereditary Breast and Ovarian Cancer; Hereditary breast and/or ovarian cancer syndrome. Identifiers: Orphanet 145, MedGen C0677776, MeSH D061325, MONDO:0003582. Disease mechanism: loss of function.

Submissions (2):

Women's Health and Genetics/Laboratory Corporation of America, LabCorp
Classification: Likely benign. Last evaluated: 2019-08-21. Review status: criteria provided, single submitter. Criteria: LabCorp Variant Classification Summary - May 2015. Collection method: clinical testing. Allele origin: germline.
Comment: Variant summary: BRCA1 c.3465T>C alters a conserved nucleotide resulting in a synonymous change. 4/5 computational tools predict no significant impact on normal splicing. However, these predictions have yet to be confirmed by functional studies. The variant was absent in 251284 control chromosomes (gnomAD). The available data on variant occurrences in the general population are insufficient to allow any conclusion about variant significance. To our knowledge, no occurrence of c.3465T>C in individuals affected with Hereditary Breast and Ovarian Cancer and no experimental evidence demonstrating its impact on protein function have been reported. No other submitters have provided clinical-significance assessments for this variant to ClinVar after 2014. Based on the evidence outlined above, the variant was classified as likely benign.

Labcorp Genetics (formerly Invitae), Labcorp
Classification: Likely benign for Hereditary breast ovarian cancer syndrome. Last evaluated: 2019-01-14. Review status: criteria provided, single submitter. Criteria: Invitae Variant Classification Sherloc (09022015). Collection method: clinical testing. Allele origin: germline.